The following is an entry in ClinVar:

ClinVar aggregate classification (germline): Benign (1 of 4 stars; one submission).

Allele frequency attached by ClinVar (database versions not stated): gnomAD exomes 0.51870; 1000 Genomes Project 0.52536; 1000 Genomes Project 30x 0.52842; gnomAD 0.52931 and 0.53024; TOPMed 0.53895.

Submission:

GeneDx
Classification: Benign. Last evaluated: 2018-06-14. Review status: criteria provided, single submitter. Criteria: GeneDx Variant Classification (06012015). Collection method: clinical testing. Allele origin: germline. Affected: yes.
Comment: This variant is considered likely benign or benign based on one or more of the following criteria: it is a conservative change, it occurs at a poorly conserved position in the protein, it is predicted to be benign by multiple in silico algorithms, and/or has population frequency not consistent with disease.

NM_006846.4(SPINK5):c.1888-134C>T

Gene: SPINK5 (serine peptidase inhibitor Kazal type 5; plus strand). Cytogenetic location: 5q32.
Variant type: single nucleotide variant.
Coding change: c.1888-134C>T on transcript NM_006846.4 (MANE Select); 134 bases into the intron before coding-DNA position 1888, C replaced by T.
Molecular consequence: intron variant.
Genome position (GRCh38, 1-based): chr5:148,114,228, C>T. VCF-style: chr5-148114228-C-T. GRCh37 (hg19) VCF-style: chr5-147493791-C-T.
Other names: c.1888-134C>T (NM_001127698.2, NM_001127699.2).
Identifiers: ClinVar variation 674425 (VCV000674425.1), dbSNP rs3815736, ClinGen allele CA128932215.